The following is an entry in ClinVar:

ClinVar aggregate classification (germline): Uncertain significance (1 of 4 stars; one submission).

Allele frequency attached by ClinVar (database versions not stated): TOPMed 0.00002; gnomAD 0.00003; gnomAD exomes 0.00004; ExAC 0.00006.

Submission:

Labcorp Genetics (formerly Invitae), Labcorp
Classification: Uncertain significance. Last evaluated: 2025-02-13. Review status: criteria provided, single submitter. Criteria: Invitae Variant Classification Sherloc (09022015). Collection method: clinical testing. Allele origin: germline.
Comment: This sequence change replaces valine, which is neutral and non-polar, with methionine, which is neutral and non-polar, at codon 542 of the MMP14 protein (p.Val542Met). This variant is present in population databases (rs759453175, gnomAD 0.02%). This variant has not been reported in the literature in individuals affected with MMP14-related conditions. ClinVar contains an entry for this variant (Variation ID: 1398211). An algorithm developed to predict the effect of missense changes on protein structure and function (PolyPhen-2) suggests that this variant is likely to be disruptive. In summary, the available evidence is currently insufficient to determine the role of this variant in disease. Therefore, it has been classified as a Variant of Uncertain Significance.

NM_004995.4(MMP14):c.1624G>A (p.Val542Met)

Gene: MMP14 (matrix metallopeptidase 14; plus strand). Cytogenetic location: 14q11.2.
Variant type: single nucleotide variant.
Coding change: c.1624G>A on transcript NM_004995.4 (MANE Select); coding-DNA position 1624, G replaced by A.
Protein change: p.Val542Met; replaces valine 542 with methionine.
Molecular consequence: missense variant.
Genome position (GRCh38, 1-based): chr14:22,845,914, G>A. VCF-style: chr14-22845914-G-A. GRCh37 (hg19) VCF-style: chr14-23315123-G-A.
Other names: short protein forms V542M.
Identifiers: ClinVar variation 1398211 (VCV001398211.8), dbSNP rs759453175, ClinGen allele CA7105533.